The following is an entry in ClinVar:

NM_005477.3(HCN4):c.2975G>A (p.Ser992Asn)

Gene: HCN4 (hyperpolarization activated cyclic nucleotide gated potassium channel 4; minus strand). Cytogenetic location: 15q24.1.
Variant type: single nucleotide variant.
Coding change: c.2975G>A on transcript NM_005477.3 (MANE Select); coding-DNA position 2975, G replaced by A.
Protein change: p.Ser992Asn; replaces serine 992 with asparagine.
Molecular consequence: missense variant.
Genome position (GRCh38, 1-based): chr15:73,323,118, C>T on the plus strand (G>A on the coding strand, the complement: HCN4 is on the minus strand). VCF-style: chr15-73323118-C-T. GRCh37 (hg19) VCF-style: chr15-73615459-C-T.
Other names: short protein forms S992N.
Identifiers: ClinVar variation 4034018 (VCV004034018.1).

ClinVar aggregate classification (germline): Uncertain significance (1 of 4 stars; one submission).

Conditions:
Cardiovascular phenotype. Identifiers: MedGen CN230736.

Submission:

Ambry Genetics
Classification: Uncertain significance for Cardiovascular phenotype. Last evaluated: 2025-05-30. Review status: criteria provided, single submitter. Criteria: Ambry Variant Classification Scheme 2023. Collection method: clinical testing. Allele origin: germline.
Comment: The p.S992N variant (also known as c.2975G>A), located in coding exon 8 of the HCN4 gene, results from a G to A substitution at nucleotide position 2975. The serine at codon 992 is replaced by asparagine, an amino acid with highly similar properties. This amino acid position is conserved. In addition, this alteration is predicted to be tolerated by in silico analysis. Based on the available evidence, the clinical significance of this variant remains unclear.